The following is an entry in ClinVar:

NM_001105206.3(LAMA4):c.1614G>A (p.Ala538=)

Gene: LAMA4 (laminin subunit alpha 4; minus strand). Cytogenetic location: 6q21.
Variant type: single nucleotide variant.
Coding change: c.1614G>A on transcript NM_001105206.3 (MANE Select); coding-DNA position 1614, G replaced by A.
Protein change: p.Ala538=; no amino-acid change (alanine 538 retained).
Molecular consequence: synonymous variant.
Genome position (GRCh38, 1-based): chr6:112,165,214, C>T on the plus strand (G>A on the coding strand, the complement: LAMA4 is on the minus strand). VCF-style: chr6-112165214-C-T. GRCh37 (hg19) VCF-style: chr6-112486416-C-T.
Other names: c.1593G>A, p.Ala531= (NM_001105207.3, NM_002290.5).
Identifiers: ClinVar variation 163793 (VCV000163793.45), dbSNP rs143587921, ClinGen allele CA176504.
Genomic context (GRCh38, chr6:112,165,214, plus strand): 5'-CCTTACCTTTATTATATCATCAAGTTCTGAAAGAGTTAGACGAGGTGTTGTCAGAGAGTC[C>T]GCAGATGTGCTCAGAGACATGTTCACCACTTCCATTTGTTCCCTCACTCTTTCCTGTTGT-3'
Protein context (NP_001098676.2, residues 528-548): EVVNMSLSTS[Ala538=]DSLTTPRLTL

ClinVar aggregate classification (germline): Benign/Likely benign. Review status: criteria provided, multiple submitters, no conflicts (2 of 4 stars). 10 submissions from 10 submitters: Benign (2); Likely benign (4). 4 of the submissions do not count toward it. Last evaluated 2025-12-14.

Conditions:
Cardiovascular phenotype. Identifiers: MedGen CN230736.
Dilated cardiomyopathy 1JJ (CMD1JJ). Identifiers: Orphanet 154, MedGen C3808935, MONDO:0014095, OMIM 615235.

Allele frequency attached by ClinVar (database versions not stated): 1000 Genomes Project 30x 0.00016; 1000 Genomes Project 0.00020; gnomAD 0.00026 and 0.00027; gnomAD exomes 0.00028 and 0.00041; TOPMed 0.00029; ESP Exome Variant Server 0.00046; ExAC 0.00063.
gnomAD v4.1: 451 of 1,613,716 alleles (0.028%); highest among the groups gnomAD compares: Non-Finnish European, 0.034%; no homozygotes.

Submissions (10):

Labcorp Genetics (formerly Invitae), Labcorp
Classification: Benign for Dilated cardiomyopathy 1JJ. Last evaluated: 2025-12-14. Review status: criteria provided, single submitter. Criteria: Invitae Variant Classification Sherloc (09022015). Collection method: clinical testing. Allele origin: germline.

CeGaT Center for Human Genetics Tuebingen
Classification: Likely benign. Last evaluated: 2025-11-01. Review status: criteria provided, single submitter. Criteria: CeGaT Center For Human Genetics Tuebingen Variant Classification Criteria Version 2. Collection method: clinical testing. Allele origin: germline. Affected: yes. Observed: 2 variant alleles.
Comment: LAMA4: BP4, BP7

Women's Health and Genetics/Laboratory Corporation of America, LabCorp
Classification: Benign. Last evaluated: 2023-10-09. Review status: criteria provided, single submitter. Criteria: LabCorp Variant Classification Summary - May 2015. Collection method: clinical testing. Allele origin: germline.

Ambry Genetics
Classification: Likely benign for Cardiovascular phenotype. Last evaluated: 2020-08-18. Review status: criteria provided, single submitter. Criteria: Ambry Variant Classification Scheme 2023. Collection method: clinical testing. Allele origin: germline.

GeneDx
Classification: Likely benign. Last evaluated: 2019-12-03. Review status: criteria provided, single submitter. Criteria: GeneDx Variant Classification Process June 2021. Collection method: clinical testing. Allele origin: germline. Affected: yes.

Laboratory for Molecular Medicine, Mass General Brigham Personalized Medicine
Classification: Likely benign. Last evaluated: 2014-11-06. Review status: criteria provided, single submitter. Criteria: LMM Criteria. Collection method: clinical testing. Allele origin: germline. Observed: 1 variant allele.
Comment: p.Ala531Ala in exon 13 of LAMA4: This variant is not expected to have clinical s ignificance because it does not alter an amino acid residue and is not located w ithin the splice consensus sequence. It has also been identified in 5/8600 of Eu ropean American chromosomes by the NHLBI Exome Sequencing Project (.; dbSNP rs143587921).

Clinical Genetics DNA and cytogenetics Diagnostics Lab, Erasmus MC, Erasmus Medical Center
Classification: Likely benign. Review status: no assertion criteria provided. Collection method: clinical testing. Allele origin: germline. Affected: yes. Study: VKGL Data-share Consensus. Not counted in ClinVar's aggregate classification.

Clinical Genetics, Academic Medical Center
Classification: Benign. Review status: no assertion criteria provided. Collection method: clinical testing. Allele origin: germline. Affected: yes. Study: VKGL Data-share Consensus. Not counted in ClinVar's aggregate classification.

Genome Diagnostics Laboratory, University Medical Center Utrecht
Classification: Likely benign. Review status: no assertion criteria provided. Collection method: clinical testing. Allele origin: germline. Affected: yes. Study: VKGL Data-share Consensus. Not counted in ClinVar's aggregate classification.

Joint Genome Diagnostic Labs from Nijmegen and Maastricht, Radboudumc and MUMC+
Classification: Benign. Review status: no assertion criteria provided. Collection method: clinical testing. Allele origin: germline. Affected: yes. Study: VKGL Data-share Consensus. Not counted in ClinVar's aggregate classification.